The following is an entry in ClinVar:

ClinVar aggregate classification (germline): Pathogenic (1 of 4 stars; one submission).

gnomAD v4.1: 1 of 1,598,348 alleles (0.000063%); highest among the groups gnomAD compares: Non-Finnish European, 0.000085%; no homozygotes.

Submission:

Labcorp Genetics (formerly Invitae), Labcorp
Classification: Pathogenic. Last evaluated: 2025-06-29. Review status: criteria provided, single submitter. Criteria: Invitae Variant Classification Sherloc (09022015). Collection method: clinical testing. Allele origin: germline.
Comment: This sequence change creates a premature translational stop signal (p.Trp372*) in the SLC34A3 gene. It is expected to result in an absent or disrupted protein product. Loss-of-function variants in SLC34A3 are known to be pathogenic (PMID: 16358214, 16358215, 22159077). This variant is not present in population databases (gnomAD no frequency). This variant has not been reported in the literature in individuals affected with SLC34A3-related conditions. For these reasons, this variant has been classified as Pathogenic.

Literature cited by the submitters: PubMed 16358214; PubMed 16358215; PubMed 22159077.

NM_001177316.2(SLC34A3):c.1116G>A (p.Trp372Ter)

Gene: SLC34A3 (solute carrier family 34 member 3; plus strand). Cytogenetic location: 9q34.3.
Variant type: single nucleotide variant.
Coding change: c.1116G>A on transcript NM_001177316.2 (MANE Select); coding-DNA position 1116, G replaced by A.
Protein change: p.Trp372Ter; replaces tryptophan 372 with a stop codon.
Molecular consequence: nonsense.
Genome position (GRCh38, 1-based): chr9:137,234,438, G>A. VCF-style: chr9-137234438-G-A. GRCh37 (hg19) VCF-style: chr9-140128890-G-A.
Other names: c.1116G>A, p.Trp372Ter (NM_001177317.2, NM_080877.3); short protein forms W372*.
Identifiers: ClinVar variation 4707389 (VCV004707389.1).